The following is an entry in ClinVar:

NM_005732.4(RAD50):c.2593A>C (p.Ser865Arg)

Gene: RAD50 (RAD50 double strand break repair protein; plus strand). Cytogenetic location: 5q31.1.
Variant type: single nucleotide variant.
Coding change: c.2593A>C on transcript NM_005732.4 (MANE Select); coding-DNA position 2593, A replaced by C.
Protein change: p.Ser865Arg; replaces serine 865 with arginine.
Molecular consequence: missense variant.
Genome position (GRCh38, 1-based): chr5:132,604,874, A>C. VCF-style: chr5-132604874-A-C. GRCh37 (hg19) VCF-style: chr5-131940566-A-C.
Other names: short protein forms S865R.
Identifiers: ClinVar variation 5027704 (VCV005027704.1).
Genomic context (GRCh38, chr5:132,604,874, plus strand): 5'-AAGATTGAATTGAATCGTAAGCTTATACAGGACCAGCAGGAACAGATTCAACATCTAAAA[A>C]GTACAACAAATGAGCTAAAATCTGAGAAACTTCAGATATCCACTAATTTGCAACGTCGTC-3'
Protein context (NP_005723.2, residues 855-875): DQQEQIQHLK[Ser865Arg]TTNELKSEKL

ClinVar aggregate classification (germline): Uncertain significance (1 of 4 stars; one submission).

Conditions:
Hereditary cancer-predisposing syndrome. Also called: Neoplastic Syndromes, Hereditary; Tumor predisposition; Hereditary neoplastic syndrome; Hereditary Cancer Syndrome. Identifiers: Orphanet 140162, MedGen C0027672, MeSH D009386, MONDO:0015356.

Submission:

Ambry Genetics
Classification: Uncertain significance for Hereditary cancer-predisposing syndrome. Last evaluated: 2026-06-24. Review status: criteria provided, single submitter. Criteria: Ambry Variant Classification Scheme 2023. Collection method: clinical testing. Allele origin: germline.
Comment: The p.S865R variant (also known as c.2593A>C), located in coding exon 16 of the RAD50 gene, results from an A to C substitution at nucleotide position 2593. The serine at codon 865 is replaced by arginine, an amino acid with dissimilar properties. This amino acid position is conserved. In addition, the in silico prediction for this alteration is inconclusive. Based on the available evidence, the clinical significance of this variant remains unclear.